The following is an entry in ClinVar:

NM_000051.4(ATM):c.3245_3247delinsTGAT (p.His1082fs)

Gene: ATM (ATM serine/threonine kinase; plus strand). Cytogenetic location: 11q22.3.
Variant type: Indel.
Coding change: c.3245_3247delinsTGAT on transcript NM_000051.4 (MANE Select); coding-DNA positions 3245 to 3247, ATC replaced by TGAT.
Protein change: p.His1082fs; shifts the reading frame from histidine 1082.
Molecular consequence: frameshift variant.
Genome position (GRCh38, 1-based): chr11:108,272,813-108,272,815, ATC replaced by TGAT. VCF-style: chr11-108272813-ATC-TGAT. GRCh37 (hg19) VCF-style: chr11-108143540-ATC-TGAT.
Other names: ATM, 3-BP DEL/4-BP INS, NT3245; NM_001351834.2(ATM):c.3245_3247delinsTGAT; p.His1082fs; NM_000051.4(ATM):c.3245_3247delinsTGAT; c.3245_3247delATCinsTGAT (NM_000051.3); c.3245_3247delinsTGAT, p.His1082fs (NM_001351834.2); short protein forms H1082fs.
Identifiers: ClinVar variation 3033 (VCV000003033.61), dbSNP rs587776549, ClinGen allele CA298025.

ClinVar aggregate classification (germline): Pathogenic. Review status: reviewed by expert panel (3 of 4 stars). 20 submissions from 20 submitters: Pathogenic (1). 19 of the submissions do not count toward it. Last evaluated 2022-03-09.

Conditions:
ATM-related disorder. Also called: ATM-related disorders; ATM-related condition.
Breast cancer, susceptibility to. Identifiers: MedGen C3469522. Disease mechanism: gain of function.
Ataxia-telangiectasia syndrome (AT). Also called: Ataxia-telangiectasia, complementation group E; LOUIS-BAR SYNDROME; Ataxia-telangiectasia; Cerebello-oculocutaneous telangiectasia; Immunodeficiency with ataxia telangiectasia; ATAXIA-TELANGIECTASIA, FRESNO VARIANT. Identifiers: Orphanet 100, MedGen C0004135, MONDO:0008840, OMIM 208900.
ATM-related cancer predisposition. Also called: ATM-related cancer susceptibility. Identifiers: MedGen CN377759, MONDO:0700270.
Hereditary cancer-predisposing syndrome. Also called: Neoplastic Syndromes, Hereditary; Tumor predisposition; Hereditary Cancer Syndrome; Hereditary neoplastic syndrome. Identifiers: Orphanet 140162, MedGen C0027672, MeSH D009386, MONDO:0015356.
Familial cancer of breast. Also called: Hereditary breast cancer; BREAST CANCER, FAMILIAL; hereditary breast carcinoma. Identifiers: Orphanet 227535, MedGen C0346153, MONDO:0016419, OMIM 114480. Disease mechanism: loss of function.

Submissions 1 to 8 of 20:

ClinGen Hereditary Breast, Ovarian and Pancreatic Cancer Variant Curation Expert Panel, ClinGen
Classification: Pathogenic for ATM-related cancer predisposition. Last evaluated: 2022-03-09. Review status: reviewed by expert panel. Criteria: clingen hbop acmg specifications atm v1-1. Collection method: curation. Allele origin: germline. Inheritance: Autosomal dominant inheritance.
Comment: The ATM c.3245_3247delinsTGAT (p.His1082LeufsTer14) variant is absent in the GnomAD cohort (PM2_Supporting). This variant is expected to produce an NMD-prone transcript due to a nonsense or frameshifting event (PVS1). In the absence of potential splicing rescue mechanisms in ATM, all PVS1-eligble truncating variants are expected to be pathogenic based on the existence of known pathogenic C-terminal truncations in the last exon (PM5_Supporting). This variant has been observed in a homozygous and compound heterozygous state (confirmed) in multiple individuals with Ataxia-Telangiectasia (PMIDs: 9443866, 10980530, 10817650; PM3_Very-Strong). In summary, this variant meets criteria to be classified as pathogenic based on the ACMG/AMP criteria applied as specified by the HBOP Variant Curation Expert Panel.

PreventionGenetics, part of Exact Sciences
Classification: Pathogenic for ATM-related condition. Last evaluated: 2026-06-15. Review status: criteria provided, single submitter. Criteria: ACMG Guidelines, 2015. Collection method: clinical testing. Allele origin: germline. Not counted in ClinVar's aggregate classification.
Comment: The ATM c.3245_3247delinsTGAT variant is predicted to result in a frameshift and premature protein termination (p.His1082Leufs*14). This variant is also referred to as 3245ATC>TGAT or 3246insG in the literature. It has been reported in the homozygous or compound heterozygous state in individuals with Ataxia telangiectasia and has been described as a Norwegian founder variant (see, for example: Telatar et al. 1998. PubMed ID: 9443866; Laake et al. 2000. PubMed ID: 10980530). It has also been reported in the heterozygous state in individuals with breast cancer, pilocytic astrocytoma, prostate cancer, or pancreatic cancer (see, for example: Vorechovský et al. 1996. PubMed ID: 8797579; Table S1, Susswein et al 2015. PubMed ID: 26681312; Hart et al. 2016. PubMed ID: 27084275; eTable 3, Hu et al. 2018. PubMed ID: 29922827; Brand et al. 2018. PubMed ID: 30067863). This variant has not been reported in a large population database, indicating it is rare, and it is interpreted as pathogenic in ClinVar by the ClinGen Hereditary Breast, Ovarian and Pancreatic Cancer Variant Curation Expert Panel (Variation ID: 3033). Frameshift variants in ATM are expected to be pathogenic. This variant is interpreted as pathogenic.

Labcorp Genetics (formerly Invitae), Labcorp
Classification: Pathogenic for Ataxia-telangiectasia syndrome. Last evaluated: 2026-01-13. Review status: criteria provided, single submitter. Criteria: Invitae Variant Classification Sherloc (09022015). Collection method: clinical testing. Allele origin: germline. Not counted in ClinVar's aggregate classification.
Comment: This sequence change creates a premature translational stop signal (p.His1082Leufs*14) in the ATM gene. It is expected to result in an absent or disrupted protein product. Loss-of-function variants in ATM are known to be pathogenic (PMID: 23807571, 25614872). This variant is present in population databases (rs761486324, gnomAD 0.007%). This premature translational stop signal has been observed in individual(s) with ataxia-telangiectasia, breast cancer, and/or prostate cancer (PMID: 8797579, 9443866, 9537233, 9781027, 10980530, 27084275). It is commonly reported in individuals of Norwegian ancestry (PMID: 9443866, 9781027, 10980530). ClinVar contains an entry for this variant (Variation ID: 3033). For these reasons, this variant has been classified as Pathogenic.

CeGaT Center for Human Genetics Tuebingen
Classification: Pathogenic. Last evaluated: 2025-11-01. Review status: criteria provided, single submitter. Criteria: CeGaT Center For Human Genetics Tuebingen Variant Classification Criteria Version 2. Collection method: clinical testing. Allele origin: germline. Affected: yes. Observed: 3 variant alleles. Not counted in ClinVar's aggregate classification.
Comment: ATM: PVS1, PM2, PS4:Moderate

Natera, Inc.
Classification: Pathogenic for Ataxia-telangiectasia. Last evaluated: 2025-10-11. Review status: criteria provided, single submitter. Criteria: Natera Variant Classification Schema (03/2026). Collection method: clinical testing. Allele origin: germline. Not counted in ClinVar's aggregate classification.
Comment: The c.3245_3247delATCinsTGAT variant in ATM is a frameshift variant predicted to shift the reading frame beginning at codon 1082 and leads to a stop codon 14 codons downstream. This variant is expected to result in nonsense mediated decay, truncation, or a dysfunctional protein product. This variant is rare in the general population with a frequency below the threshold expected for the associated phenotype(s). This variant has been observed in one or more individuals affected with the associated recessive disease, as either homozygous or compound heterozygous with a second variant (PMID: 10980530). Given the available evidence, this variant is classified as Pathogenic.

Ambry Genetics
Classification: Pathogenic for Hereditary cancer-predisposing syndrome. Last evaluated: 2025-04-25. Review status: criteria provided, single submitter. Criteria: Ambry Variant Classification Scheme 2023. Collection method: clinical testing. Allele origin: germline. Not counted in ClinVar's aggregate classification.
Comment: The c.3245_3247delATCinsTGAT pathogenic mutation, located in coding exon 21 of the ATM gene, results from the deletion of 3 nucleotides (ATC) and insertion of 4 nucleotides (TGAT) at positions 3245 to 3247, causing a translational frameshift with a predicted alternate stop codon (p.H1082Lfs*14). This mutation has been detected in both the homozygous and compound heterozygous state in multiple patients with ataxia-telangiectasia (A-T) (Telatar M et al. Am. J. Hum. Genet. 1998 Jan;62:86-97; Li A et al. Am. J. Med. Genet. 2000 May;92:170-7; Stray-Pedersen A et al. Eur. J. Paediatr. Neurol. 2007 Nov;11:375-80). In addition, this mutation has been described as a Norwegian founder mutation and accounted for greater than 50% of pathogenic ATM alleles detected in one series of Norwegian A-T families (Laake K et al. Hum. Mutat. 2000 Sep;16:232-46). This mutation was also detected in two individuals with histories of breast cancer and/or pilocytic astrocytoma (Susswein LR et al. Genet. Med. 2016 08;18:823-32). This variant is considered to be rare based on population cohorts in the Genome Aggregation Database (gnomAD). In addition to the clinical data presented in the literature, this alteration is expected to result in loss of function by premature protein truncation or nonsense-mediated mRNA decay. As such, this alteration is interpreted as a disease-causing mutation.

Quest Diagnostics Nichols Institute San Juan Capistrano
Classification: Pathogenic. Last evaluated: 2025-02-26. Review status: criteria provided, single submitter. Criteria: Quest Diagnostics criteria. Collection method: clinical testing. Allele origin: unknown. Not counted in ClinVar's aggregate classification.
Comment: The ATM c.3245_3247delinsTGAT (p.His1082Leufs*14) variant alters the translational reading frame of the ATM mRNA and causes the premature termination of ATM protein synthesis. This variant has been reported in the published literature in individuals with pancreatic cancer (PMID: 29922827 (2018), 30067863 (2018)), endometrial cancer (PMID: 30612635 (2019)0, ovarian cancer (PMID: 31882575 (2019), breast cancer (PMID: 31882575 (2019), 33471991 (2021), 9537233 (1998), see also LOVD), as well as in reportedly healthy individuals (PMID: 33471991 (2021), see also LOVD). This variant has also been identified in individuals with ataxia-telangiectasia (AT) (PMID: 9443866 (1998), 9781027 (1998)). This variant has not been reported in large, multi-ethnic general populations (Genome Aggregation Database). Based on the available information, this variant is classified as pathogenic.

Fulgent Genetics
Classification: Pathogenic for Familial cancer of breast; Ataxia-telangiectasia syndrome. Last evaluated: 2024-05-23. Review status: criteria provided, single submitter. Criteria: ACMG Guidelines, 2015. Collection method: clinical testing. Allele origin: germline. Not counted in ClinVar's aggregate classification.